The following is an entry in ClinVar:

ClinVar aggregate classification (germline): Uncertain significance (1 of 4 stars; one submission).

Conditions:
Inborn genetic diseases. Identifiers: MedGen C0950123, MeSH D030342.

Allele frequency attached by ClinVar (database versions not stated): TOPMed below 0.00001; ExAC 0.00001; gnomAD 0.00001; gnomAD exomes 0.00001.

Submission:

Ambry Genetics
Classification: Uncertain significance for Inborn genetic diseases. Last evaluated: 2022-12-29. Review status: criteria provided, single submitter. Criteria: Ambry Variant Classification Scheme 2023. Collection method: clinical testing. Allele origin: germline.
Comment: The p.K105E variant (also known as c.313A>G), located in coding exon 3 of the MDH2 gene, results from an A to G substitution at nucleotide position 313. The lysine at codon 105 is replaced by glutamic acid, an amino acid with similar properties. This amino acid position is conserved. In addition, this alteration is predicted to be deleterious by in silico analysis. Since supporting evidence is limited at this time, the clinical significance of this alteration remains unclear.

NM_005918.4(MDH2):c.313A>G (p.Lys105Glu)

Gene: MDH2 (malate dehydrogenase 2; plus strand). Cytogenetic location: 7q11.23.
Variant type: single nucleotide variant.
Coding change: c.313A>G on transcript NM_005918.4 (MANE Select); coding-DNA position 313, A replaced by G.
Protein change: p.Lys105Glu; replaces lysine 105 with glutamic acid.
Molecular consequence: missense variant. On other transcripts: 5 prime UTR variant (1).
Genome position (GRCh38, 1-based): chr7:76,057,487, A>G. VCF-style: chr7-76057487-A-G. GRCh37 (hg19) VCF-style: chr7-75686805-A-G.
Other names: c.313A>G, p.Lys105Glu (NM_001282403.2); c.-9A>G (NM_001282404.2); short protein forms K105E.
Identifiers: ClinVar variation 2469424 (VCV002469424.2), dbSNP rs782307692, ClinGen allele CA4305486.